The following is an entry in ClinVar:

ClinVar aggregate classification (germline): Pathogenic (1 of 4 stars; one submission).

Submission:

Labcorp Genetics (formerly Invitae), Labcorp
Classification: Pathogenic. Last evaluated: 2024-11-26. Review status: criteria provided, single submitter. Criteria: Invitae Variant Classification Sherloc (09022015). Collection method: clinical testing. Allele origin: germline.
Comment: This sequence change creates a premature translational stop signal (p.Leu1352*) in the KAT6A gene. While this is not anticipated to result in nonsense mediated decay, it is expected to disrupt the last 653 amino acid(s) of the KAT6A protein. This variant is not present in population databases (gnomAD no frequency). This variant has not been reported in the literature in individuals affected with KAT6A-related conditions. This variant disrupts a region of the KAT6A protein in which other variant(s) (p.Thr1762Hisfs*11) have been determined to be pathogenic (internal data). This suggests that this is a clinically significant region of the protein, and that variants that disrupt it are likely to be disease-causing. For these reasons, this variant has been classified as Pathogenic.

NM_006766.5(KAT6A):c.4055del (p.Phe1351_Leu1352insTer)

Gene: KAT6A (lysine acetyltransferase 6A; minus strand). Cytogenetic location: 8p11.21.
Variant type: Deletion.
Coding change: c.4055del on transcript NM_006766.5 (MANE Select); coding-DNA position 4055, one base deleted (T; older notation c.4055delT).
Protein change: p.Phe1351_Leu1352insTer.
Molecular consequence: nonsense.
Genome position (GRCh38, 1-based): chr8:41,934,165, A deleted on the plus strand (T on the coding strand, the reverse complement: KAT6A is on the minus strand); the first of 6 consecutive A bases (chr8:41,934,165-41,934,170); deleting any one gives the same sequence. VCF-style (leftmost placement, unchanged base first): chr8-41934164-TA-T. GRCh37 (hg19) VCF-style: chr8-41791682-TA-T.
Identifiers: ClinVar variation 3726095 (VCV003726095.2).